The following is an entry in ClinVar:

NM_000245.4(MET):c.2694T>A (p.Asn898Lys)

Gene: MET (MET proto-oncogene, receptor tyrosine kinase; plus strand). Cytogenetic location: 7q31.2.
Variant type: single nucleotide variant.
Coding change: c.2694T>A on transcript NM_000245.4 (MANE Select); coding-DNA position 2694, T replaced by A.
Protein change: p.Asn898Lys; replaces asparagine 898 with lysine.
Molecular consequence: missense variant.
Genome position (GRCh38, 1-based): chr7:116,769,755, T>A. VCF-style: chr7-116769755-T-A. GRCh37 (hg19) VCF-style: chr7-116409809-T-A.
Other names: c.2748T>A, p.Asn916Lys (NM_001127500.3); c.2694T>A, p.Asn898Lys (NM_001324401.3); c.1404T>A, p.Asn468Lys (NM_001324402.2); short protein forms N916K, N468K, N898K.
Identifiers: ClinVar variation 3673323 (VCV003673323.2).

ClinVar aggregate classification (germline): Uncertain significance (1 of 4 stars; one submission).

Conditions:
Renal cell carcinoma. Identifiers: Orphanet 217071, MedGen C0007134, MeSH D002292, MONDO:0005086, HP:0005584.

Submission:

Labcorp Genetics (formerly Invitae), Labcorp
Classification: Uncertain significance for Renal cell carcinoma. Last evaluated: 2024-07-09. Review status: criteria provided, single submitter. Criteria: Invitae Variant Classification Sherloc (09022015). Collection method: clinical testing. Allele origin: germline.
Comment: This sequence change replaces asparagine, which is neutral and polar, with lysine, which is basic and polar, at codon 916 of the MET protein (p.Asn916Lys). This variant is not present in population databases (gnomAD no frequency). This variant has not been reported in the literature in individuals affected with MET-related conditions. Advanced modeling of protein sequence and biophysical properties (such as structural, functional, and spatial information, amino acid conservation, physicochemical variation, residue mobility, and thermodynamic stability) performed at Invitae indicates that this missense variant is not expected to disrupt MET protein function with a negative predictive value of 80%. In summary, the available evidence is currently insufficient to determine the role of this variant in disease. Therefore, it has been classified as a Variant of Uncertain Significance.